The following is an entry in ClinVar:

ClinVar aggregate classification (germline): Uncertain significance (1 of 4 stars; one submission).

Submission:

Women's Health and Genetics/Laboratory Corporation of America, LabCorp
Classification: Uncertain significance. Last evaluated: 2025-09-29. Review status: criteria provided, single submitter. Criteria: LabCorp Variant Classification Summary - May 2015. Collection method: clinical testing. Allele origin: germline.
Comment: Variant summary: PCDH15 c.5759delC (p.Pro1920LeufsX4) results in a premature termination codon, predicted to cause a truncation of the encoded protein, no downtream likely pathogenic or pathogenic variants have been associated with disease. The variant was absent in 251266 control chromosomes. The available data on variant occurrences in the general population are insufficient to allow any conclusion about variant significance. To our knowledge, no occurrence of c.5759delC in individuals affected with PCDH15-related conditions and no experimental evidence demonstrating its impact on protein function have been reported. No submitters have cited clinical-significance assessments for this variant to ClinVar. Based on the evidence outlined above, the variant was classified as uncertain significance.

NM_033056.4(PCDH15):c.5759del (p.Pro1920fs)

Gene: PCDH15 (protocadherin related 15; minus strand). Cytogenetic location: 10q21.1.
Variant type: Deletion.
Coding change: c.5759del on transcript NM_033056.4 (MANE Plus Clinical); coding-DNA position 5759, one base deleted (C; older notation c.5759delC).
Protein change: p.Pro1920fs; shifts the reading frame from proline 1920.
Molecular consequence: frameshift variant. On other transcripts: intron variant (8).
Genome position (GRCh38, 1-based): chr10:53,821,967, G deleted on the plus strand (C on the coding strand, the reverse complement: PCDH15 is on the minus strand); the first of 3 consecutive G bases (chr10:53,821,967-53,821,969); deleting any one gives the same sequence. VCF-style (leftmost placement, unchanged base first): chr10-53821966-AG-A. GRCh37 (hg19) VCF-style: chr10-55581726-AG-A.
Other names: c.5759delC (NM_033056.4); c.5780del, p.Pro1927fs (NM_001142763.2); c.5765del, p.Pro1922fs (NM_001142764.2); c.5552del, p.Pro1851fs (NM_001142765.2); c.5750del, p.Pro1917fs (NM_001142766.2); c.5639del, p.Pro1880fs (NM_001142767.2); c.5699del, p.Pro1900fs (NM_001142768.2); c.5690del, p.Pro1897fs (NM_001142773.2); and 8 more; short protein forms P1897fs, P1922fs, P1851fs, P1898fs, P1917fs, P1880fs, P1900fs, P1920fs.
Identifiers: ClinVar variation 4535751 (VCV004535751.1), dbSNP rs1236257581.
Genomic context (GRCh38, chr10:53,821,966, plus strand): 5'-AATATTGTTCAAACTCCCCTTGTTTTGTTCAGATGTGATTTCCATATTTGTTACTTCTGA[AG>A]GGCACATAGTTTGAAGTTCTGAAACATTTGTGCGTAGATAGTTTTTTTCTATTTGACTGT-3'